The following is an entry in ClinVar:

NM_001291303.3(FAT4):c.6776T>G (p.Phe2259Cys)

Gene: FAT4 (FAT atypical cadherin 4; plus strand). Cytogenetic location: 4q28.1.
Variant type: single nucleotide variant.
Coding change: c.6776T>G on transcript NM_001291303.3 (MANE Select); coding-DNA position 6776, T replaced by G.
Protein change: p.Phe2259Cys; replaces phenylalanine 2259 with cysteine.
Molecular consequence: missense variant.
Genome position (GRCh38, 1-based): chr4:125,415,739, T>G. VCF-style: chr4-125415739-T-G. GRCh37 (hg19) VCF-style: chr4-126336894-T-G.
Other names: c.6776T>G, p.Phe2259Cys (NM_001291285.3, NM_024582.6); short protein forms F2259C.
Identifiers: ClinVar variation 3642944 (VCV003642944.2).

ClinVar aggregate classification (germline): Uncertain significance (1 of 4 stars; one submission).

gnomAD v4.1: 2 of 1,613,988 alleles (0.00012%); highest among the groups gnomAD compares: Non-Finnish European, 0.00017%; no homozygotes.

Submission:

Labcorp Genetics (formerly Invitae), Labcorp
Classification: Uncertain significance. Last evaluated: 2024-03-13. Review status: criteria provided, single submitter. Criteria: Invitae Variant Classification Sherloc (09022015). Collection method: clinical testing. Allele origin: germline.
Comment: This sequence change replaces phenylalanine, which is neutral and non-polar, with cysteine, which is neutral and slightly polar, at codon 2259 of the FAT4 protein (p.Phe2259Cys). This variant is not present in population databases (gnomAD no frequency). This variant has not been reported in the literature in individuals affected with FAT4-related conditions. Advanced modeling of protein sequence and biophysical properties (such as structural, functional, and spatial information, amino acid conservation, physicochemical variation, residue mobility, and thermodynamic stability) has been performed at Invitae for this missense variant, however the output from this modeling did not meet the statistical confidence thresholds required to predict the impact of this variant on FAT4 protein function. In summary, the available evidence is currently insufficient to determine the role of this variant in disease. Therefore, it has been classified as a Variant of Uncertain Significance.